The following is an entry in ClinVar:

ClinVar aggregate classification (germline): Uncertain significance. Review status: criteria provided, multiple submitters, no conflicts (2 of 4 stars). 3 submissions from 3 submitters: Uncertain significance (3). Last evaluated 2025-09-10.

Conditions:
Charcot-Marie-Tooth disease type 2. Also called: Charcot-Marie-Tooth type 2. Identifiers: Orphanet 64746, MedGen C0270914, MONDO:0018993.
Charcot-Marie-Tooth disease axonal type 2N (CMT2N). Also called: CHARCOT-MARIE-TOOTH DISEASE, AXONAL, AUTOSOMAL DOMINANT, TYPE 2N; CHARCOT-MARIE-TOOTH NEUROPATHY, AXONAL, TYPE 2N; Charcot-Marie-Tooth Neuropathy Type 2N. Identifiers: Orphanet 228174, MedGen C2750090, MONDO:0013212, OMIM 613287.

Allele frequency attached by ClinVar (database versions not stated): gnomAD exomes below 0.00001; TOPMed below 0.00001.
gnomAD v4.1: 3 of 1,614,136 alleles (0.00019%); highest among the groups gnomAD compares: Non-Finnish European, 0.00025%; no homozygotes.

Submissions (3):

Labcorp Genetics (formerly Invitae), Labcorp
Classification: Uncertain significance for Charcot-Marie-Tooth disease type 2. Last evaluated: 2025-09-10. Review status: criteria provided, single submitter. Criteria: Invitae Variant Classification Sherloc (09022015). Collection method: clinical testing. Allele origin: germline.
Comment: This sequence change creates a premature translational stop signal (p.Trp919*) in the AARS gene. While this is not anticipated to result in nonsense mediated decay, it is expected to disrupt the last 50 amino acid(s) of the AARS protein. This variant is not present in population databases (gnomAD no frequency). This variant has not been reported in the literature in individuals affected with AARS-related conditions. ClinVar contains an entry for this variant (Variation ID: 1682085). This variant disrupts a region of the AARS protein in which other variant(s) (p.Phe958Ser) have been observed in individuals with AARS-related conditions (PMID: 30214071, 34645488). This suggests that this is a clinically significant region of the protein, and that variants that disrupt it are likely to be disease-causing. In summary, the available evidence is currently insufficient to determine the role of this variant in disease. Therefore, it has been classified as a Variant of Uncertain Significance.

Molecular Genetics, Royal Melbourne Hospital
Classification: Uncertain significance for Charcot-Marie-Tooth disease axonal type 2N. Last evaluated: 2024-01-05. Review status: criteria provided, single submitter. Criteria: ACMG Guidelines, 2015. Collection method: clinical testing. Allele origin: germline. Inheritance: Autosomal dominant inheritance.
Comment: This sequence change in AARS1 is a nonsense variant that may cause a premature stop codon, p.(Trp919*), that is predicted to escape nonsense-mediated decay and removes <10% of the protein in a gene where loss-of-function is an established disease mechanism. The highest population minor allele frequency in the population database gnomAD v4.0 is 0.000072% (3/1,111,944 alleles) in the European non-Finnish population. To our knowledge, this variant has not been previously reported in the relevant scientific literature. Based on the classification scheme RMH Modified ACMG/AMP Guidelines v1.6.1, this variant is classified as a VARIANT OF UNCERTAIN SIGNIFICANCE. Following criteria are met: PVS1_Moderate, PM2_Supporting

Mayo Clinic Laboratories, Mayo Clinic
Classification: Uncertain significance. Last evaluated: 2021-12-01. Review status: criteria provided, single submitter. Criteria: ACMG Guidelines, 2015. Collection method: clinical testing. Allele origin: germline.

Literature cited by the submitters: PubMed 30214071 (cited by Labcorp Genetics (formerly Invitae), Labcorp); PubMed 34645488 (cited by Labcorp Genetics (formerly Invitae), Labcorp).

NM_001605.3(AARS1):c.2757G>A (p.Trp919Ter)

Gene: AARS1 (alanyl-tRNA synthetase 1; minus strand). Cytogenetic location: 16q22.1.
Variant type: single nucleotide variant.
Coding change: c.2757G>A on transcript NM_001605.3 (MANE Select); coding-DNA position 2757, G replaced by A.
Protein change: p.Trp919Ter; replaces tryptophan 919 with a stop codon.
Molecular consequence: nonsense.
Genome position (GRCh38, 1-based): chr16:70,252,871, C>T on the plus strand (G>A on the coding strand, the complement: AARS1 is on the minus strand). VCF-style: chr16-70252871-C-T. GRCh37 (hg19) VCF-style: chr16-70286774-C-T.
Other names: p.Trp919*; c.2757G>A (NM_001605.2); short protein forms W919*.
Identifiers: ClinVar variation 1682085 (VCV001682085.8), dbSNP rs1959876202, ClinGen allele CA396554495.